The following is an entry in ClinVar:

NM_032638.5(GATA2):c.1066_1095del (p.Thr356_Asn365del)

Gene: GATA2 (GATA binding protein 2; minus strand). Cytogenetic location: 3q21.3.
Variant type: Deletion.
Coding change: c.1066_1095del on transcript NM_032638.5 (MANE Select); coding-DNA positions 1066 to 1095, 30 bases deleted (ACCACCACCTTATGGCGCCGAAACGCCAAC).
Protein change: p.Thr356_Asn365del.
Molecular consequence: inframe deletion.
Genome position (GRCh38, 1-based): chr3:128,481,867-128,481,896, GTTGGCGTTTCGGCGCCATAAGGTGGTGGT deleted on the plus strand (ACCACCACCTTATGGCGCCGAAACGCCAAC on the coding strand, the reverse complement: GATA2 is on the minus strand). VCF-style (leftmost placement, unchanged base first): chr3-128481866-CGTTGGCGTTTCGGCGCCATAAGGTGGTGGT-C. GRCh37 (hg19) VCF-style: chr3-128200709-CGTTGGCGTTTCGGCGCCATAAGGTGGTGGT-C.
Other names: c.1066_1095del, p.Thr356_Asn365del (NM_001145661.2); c.1024_1053del, p.Thr342_Asn351del (NM_001145662.1).
Identifiers: ClinVar variation 1184244 (VCV001184244.1), dbSNP rs2107668655, ClinGen allele CA1139654931.

ClinVar aggregate classification (germline): Likely pathogenic (1 of 4 stars; one submission).

Conditions:
Deafness-lymphedema-leukemia syndrome. Also called: Emberger syndrome; Lymphedema, primary, with myelodysplasia. Identifiers: Orphanet 3226, MedGen C3279664, MONDO:0013540, OMIM 614038.
GATA2 deficiency with susceptibility to MDS/AML. Identifiers: MedGen CN300066, MONDO:0042982.

Submission:

Molecular Pathology Research Laboratory, SA Pathology
Classification: Likely pathogenic for GATA2 deficiency with susceptibility to MDS/AML; Deafness-lymphedema-leukemia syndrome. Last evaluated: 2021-07-06. Review status: criteria provided, single submitter. Criteria: ACMG Guidelines, 2015. Collection method: curation. Allele origin: unknown. Inheritance: Autosomal dominant inheritance. Affected: yes. Observed: 1 variant allele.
Comment: PS4_Supporting, PM2, PM4_Strong

Literature cited by the submitters: PubMed 26702063.